The following is an entry in ClinVar:

NM_001367905.1(DSCAML1):c.-362-16426_-362-16400del

Gene: DSCAML1 (DS cell adhesion molecule like 1; minus strand). Cytogenetic location: 11q23.3.
Variant type: Deletion.
Coding change: c.-362-16426_-362-16400del on transcript NM_001367905.1; 16426 bases into the intron before 362 bases upstream of the start codon through 16400 bases into the intron before 362 bases upstream of the start codon, 27 bases deleted (GAGGGAGGAGCCGCCGCCGCAGCCGAG).
Molecular consequence: intron variant.
Genome position (GRCh38, 1-based): chr11:117,797,210-117,797,236, CTCGGCTGCGGCGGCGGCTCCTCCCTC deleted on the plus strand (GAGGGAGGAGCCGCCGCCGCAGCCGAG on the coding strand, the reverse complement: DSCAML1 is on the minus strand); deleting any 27 consecutive bases within chr11:117,797,210-117,797,243 gives the same sequence; the c. name uses the placement nearest the transcript's 3' end. VCF-style (leftmost placement, unchanged base first): chr11-117797209-GCTCGGCTGCGGCGGCGGCTCCTCCCTC-G. GRCh37 (hg19) VCF-style: chr11-117667924-GCTCGGCTGCGGCGGCGGCTCCTCCCTC-G.
Identifiers: ClinVar variation 1930589 (VCV001930589.4), dbSNP rs750009836, ClinGen allele CA6297716.

ClinVar aggregate classification (germline): Uncertain significance (1 of 4 stars; one submission).

Submission:

Labcorp Genetics (formerly Invitae), Labcorp
Classification: Uncertain significance. Last evaluated: 2025-07-23. Review status: criteria provided, single submitter. Criteria: Invitae Variant Classification Sherloc (09022015). Collection method: clinical testing. Allele origin: germline.
Comment: This variant, c.24_50del, results in the deletion of 9 amino acid(s) of the DSCAML1 protein (p.Arg8_Pro16del), but otherwise preserves the integrity of the reading frame. This variant is present in population databases (rs750009836, gnomAD 0.005%). This variant has not been reported in the literature in individuals affected with DSCAML1-related conditions. ClinVar contains an entry for this variant (Variation ID: 1930589). Experimental studies and prediction algorithms are not available or were not evaluated, and the functional significance of this variant is currently unknown. In summary, the available evidence is currently insufficient to determine the role of this variant in disease. Therefore, it has been classified as a Variant of Uncertain Significance.